The following is an entry in ClinVar:

ClinVar aggregate classification (germline): Conflicting classifications of pathogenicity. Review status: criteria provided, conflicting classifications (1 of 4 stars). 29 submissions from 23 submitters: Uncertain significance (3); Benign (1); Likely benign (23). 2 of the submissions do not count toward it. Last evaluated 2026-09-01.

Conditions:
Stiff skin syndrome (SSKS). Identifiers: Orphanet 2833, MedGen C1861456, MONDO:0008492, OMIM 184900.
MASS syndrome (OCTD). Also called: MASS PHENOTYPE; OVERLAP CONNECTIVE TISSUE DISEASE. Identifiers: MedGen C1858556, MONDO:0011431, OMIM 604308.
Progeroid and marfanoid aspect-lipodystrophy syndrome. Also called: MARFANOID-PROGEROID-LIPODYSTROPHY SYNDROME; MARFANOID-PROGEROID SYNDROME; MARFAN-PROGEROID-LIPODYSTROPHY SYNDROME; Marfan lipodystrophy syndrome. Identifiers: Orphanet 300382, MedGen C4310796, MONDO:0014831, OMIM 616914.
Geleophysic dysplasia 2 (GPHYSD2). Identifiers: Orphanet 2623, MedGen C3280054, MONDO:0013612, OMIM 614185.
Acromicric dysplasia (ACMICD). Also called: Acromicric skeletal dysplasia. Identifiers: Orphanet 969, MedGen C0265287, MONDO:0007055, OMIM 102370.
Weill-Marchesani syndrome 2, dominant. Also called: FBN1-Related Weill-Marchesani Syndrome; Weill-Marchesani Syndrome, Autosomal Dominant. Identifiers: Orphanet 2084, MedGen C1869115, MONDO:0012013, OMIM 608328.
Marfan syndrome (MFS). Also called: Marfan syndrome, classic; MARFAN SYNDROME, TYPE I; Marfan syndrome type 1; Marfan's syndrome; FBN1-Related Marfan Syndrome. Identifiers: Orphanet 284963, Orphanet 558, MedGen C0024796, MONDO:0007947, OMIM 154700.
Ectopia lentis 1, isolated, autosomal dominant (ECTOL1). Identifiers: Orphanet 1885, MedGen C3541518, MONDO:0007514, OMIM 129600.
Geleophysic dysplasia. Identifiers: Orphanet 2623, MedGen C3489726, MONDO:0000127.
Weill-Marchesani syndrome. Also called: WM Syndrome; Mesodermal dysmorphodystrophy congenital. Identifiers: Orphanet 3449, MedGen C0265313, MONDO:0018096.
Familial thoracic aortic aneurysm and aortic dissection (TAAD). Also called: Thoracic aortic aneurysms and dissections. Identifiers: Orphanet 91387, MedGen C4707243, MONDO:0019625.

Allele frequency attached by ClinVar (database versions not stated): 1000 Genomes Project 0.00020; gnomAD exomes 0.00073; 1000 Genomes Project 30x 0.00031; ExAC 0.00073; gnomAD 0.00070; TOPMed 0.00078.
gnomAD v4.1: 1,221 of 1,614,164 alleles (0.076%); highest among the groups gnomAD compares: Admixed American, 0.18%; 2 homozygotes.

Submissions 1 to 14 of 29:

CeGaT Center for Human Genetics Tuebingen
Classification: Likely benign. Last evaluated: 2026-09-01. Review status: criteria provided, single submitter. Criteria: CeGaT Center For Human Genetics Tuebingen Variant Classification Criteria Version 2. Collection method: clinical testing. Allele origin: germline. Affected: yes. Observed: 8 variant alleles.
Comment: FBN1: BS1

Labcorp Genetics (formerly Invitae), Labcorp
Classification: Likely benign for Marfan syndrome; Familial thoracic aortic aneurysm and aortic dissection. Last evaluated: 2026-02-01. Review status: criteria provided, single submitter. Criteria: Invitae Variant Classification Sherloc (09022015). Collection method: clinical testing. Allele origin: germline.

GeneDx
Classification: Likely benign. Last evaluated: 2025-12-16. Review status: criteria provided, single submitter. Criteria: GeneDx Variant Classification Process June 2021. Collection method: clinical testing. Allele origin: germline.
Comment: See Variant Classification Assertion Criteria.

Dasa
Classification: Benign. Last evaluated: 2025-10-31. Review status: criteria provided, single submitter. Criteria: DASA Assertion Criteria. Collection method: clinical testing. Allele origin: germline.
Comment: NM_000138.5(FBN1):c.8176C>T (p.Arg2726Trp) is interpreted as benign based on a combination of available evidence, including population frequency, and observations in unaffected individuals. Based on the available data, this variant is classified as benign.

ARUP Laboratories, Molecular Genetics and Genomics, ARUP Laboratories
Classification: Likely benign. Last evaluated: 2025-07-02. Review status: criteria provided, single submitter. Criteria: ARUP Molecular Germline Variant Investigation Process 2024. Collection method: clinical testing. Allele origin: germline.

Molecular Diagnostic Laboratory for Inherited Cardiovascular Disease, Montreal Heart Institute
Classification: Likely benign. Last evaluated: 2025-04-09. Review status: criteria provided, single submitter. Criteria: ACMG Guidelines, 2015. Collection method: clinical testing. Allele origin: germline. Affected: no.
Comment: BS1;BP4

Blueprint Genetics
Classification: Likely benign. Last evaluated: 2024-10-16. Review status: criteria provided, single submitter. Criteria: ACMG Guidelines, 2015. Collection method: clinical testing. Allele origin: germline.

All of Us Research Program, National Institutes of Health
Classification: Likely benign for Marfan syndrome. Last evaluated: 2024-09-23. Review status: criteria provided, single submitter. Criteria: ACMG Guidelines, 2015. Collection method: clinical testing. Allele origin: germline. Inheritance: Autosomal dominant inheritance. Observed: 262 variant alleles, 261 heterozygotes, 1 homozygote.
Comment: This study involves interpretation of variants in research participants for the purpose of population health screening. Participant phenotype was not available at the time of variant classification. Additional details can be found in publication PMID: 35346344, PMCID: PMC8962531

Women's Health and Genetics/Laboratory Corporation of America, LabCorp
Classification: Likely benign. Last evaluated: 2024-03-30. Review status: criteria provided, single submitter. Criteria: LabCorp Variant Classification Summary - May 2015. Collection method: clinical testing. Allele origin: germline.

Fulgent Genetics
Classification: Likely benign for Acromicric dysplasia; Ectopia lentis 1, isolated, autosomal dominant; Marfan syndrome; Stiff skin syndrome; MASS syndrome; Weill-Marchesani syndrome 2, dominant; Geleophysic dysplasia 2; Progeroid and marfanoid aspect-lipodystrophy syndrome. Last evaluated: 2024-02-02. Review status: criteria provided, single submitter. Criteria: ACMG Guidelines, 2015. Collection method: clinical testing. Allele origin: germline.

Ambry Genetics
Classification: Likely benign for Familial thoracic aortic aneurysm and aortic dissection. Last evaluated: 2023-05-08. Review status: criteria provided, single submitter. Criteria: Ambry Variant Classification Scheme 2023. Collection method: clinical testing. Allele origin: germline.

Victorian Clinical Genetics Services, Murdoch Childrens Research Institute
Classification: Likely benign for Marfan syndrome. Last evaluated: 2022-06-24. Review status: criteria provided, single submitter. Criteria: ACMG Guidelines, 2015. Collection method: clinical testing. Allele origin: germline. Inheritance: Autosomal dominant inheritance.
Comment: Based on the classification scheme VCGS_Germline_v1.3.4, this variant is classified as Likely benign. Following criteria are met: 0103 - Dominant negative and loss of function are known mechanisms of disease in this gene and are associated with FBN1-related disease. Variants predicted to result in nonsense mediated decay cause loss of function effects, and are more commonly associated with severe Marfan syndrome (MIM#154700). Missense variants with both dominant negative and loss of function effects on protein function, are associated with Marfan syndrome and ectopia lentis (MIM#129600) (OMIM, PMID: 29357934). The exact genotype-phenotype correlation for this gene is still unclear, and is compounded by variable expressivity (PMID: 20301510). (I) 0107 - This gene is predominantly associated with autosomal dominant disease; autosomal recessive forms of Marfan syndrome have been reported infrequently (PMID: 27274304; 31950671). 0115 - Variants in this gene are known to have variable expressivity. The genotype-phenotype correlations for this gene are unclear, with single variants reported in patients with a range of phenotypes (PMID: 20301510, OMIM). (I) 0200 - Variant is predicted to result in a missense amino acid change from arginine to tryptophan. (I) 0251 - This variant is heterozygous. (I) 0107 - This gene is associated with autosomal dominant disease. (I) 0308 - Population frequency for this variant is out of keeping with known incidence of DISEASE. (SB) 0309 - An alternative amino acid change at the same position has been observed in gnomAD (v2 & v3: 12 heterozygotes, 0 homozygotes). (I) 0502 - Missense variant with conflicting in silico predictions and uninformative conservation. (I) 0604 - Variant is not located in an established domain, motif, hotspot or informative constraint region. (I) 0710 - Other missense variants comparable to the one identified in this case have inconclusive previous evidence for pathogenicity. p.(Arg2726Leu) and p.(Arg2726Gln) have been reported VUS in ClinVar, but p.(Arg2726Gln) has also been regarded likely benign (PMID: 31227806). (I) 0808 - Previous reports of pathogenicity for this variant are conflicting. It has been reported both as VUS and likely benign in ClinVar and it used to be known as a Marfanoid Skeletal Syndrome variant, as it has mostly been detected in individuals without cardiac and ocular manifestations (OMIM). More recently, even though some consider it causative with incomplete penetrance (PMID: 26875674), others see it as a likely benign variant (PMID: 31227806). (I) 1002 - This variant has moderate functional evidence supporting abnormal protein function. Studies have shown that it affects the conversion mediated of profibrillin to fibrillin (PMIDs: 26875674, 7738200). (SP) 1208 - Inheritance information for this variant is not currently available in this individual. (I) Legend: (SP) - Supporting pathogenic, (I) - Information, (SB) - Supporting benign

CHEO Genetics Diagnostic Laboratory, Children's Hospital of Eastern Ontario
Classification: Likely benign for Familial thoracic aortic aneurysm and aortic dissection. Last evaluated: 2019-11-20. Review status: criteria provided, single submitter. Criteria: ACMG Guidelines, 2015. Collection method: clinical testing. Allele origin: germline.

Mendelics
Classification: Likely benign for Marfan syndrome. Last evaluated: 2019-05-28. Review status: criteria provided, single submitter. Criteria: Mendelics Assertion Criteria 2017. Collection method: clinical testing. Allele origin: unknown.

NM_000138.5(FBN1):c.8176C>T (p.Arg2726Trp)

Gene: FBN1 (fibrillin 1; minus strand). Cytogenetic location: 15q21.1.
Variant type: single nucleotide variant.
Coding change: c.8176C>T on transcript NM_000138.5 (MANE Select); coding-DNA position 8176, C replaced by T.
Protein change: p.Arg2726Trp; replaces arginine 2726 with tryptophan.
Molecular consequence: missense variant.
Genome position (GRCh38, 1-based): chr15:48,412,619, G>A on the plus strand (C>T on the coding strand, the complement: FBN1 is on the minus strand). VCF-style: chr15-48412619-G-A. GRCh37 (hg19) VCF-style: chr15-48704816-G-A.
Other names: p.R2726W:CGG>TGG; short protein forms R2726W.
Identifiers: ClinVar variation 16445 (VCV000016445.76), dbSNP rs61746008, ClinGen allele CA017597.